The following is an entry in ClinVar:

ClinVar aggregate classification (germline): Uncertain significance (1 of 4 stars; one submission).

Conditions:
RASopathy. Also called: Noonan spectrum disorder; rasopathies. Identifiers: Orphanet 536391, MedGen C5555857, MONDO:0021060.

gnomAD v4.1: 1 of 1,613,586 alleles (0.000062%); highest among the groups gnomAD compares: African/African-American, 0.0013%; no homozygotes.

Submission:

Labcorp Genetics (formerly Invitae), Labcorp
Classification: Uncertain significance for RASopathy. Last evaluated: 2024-04-01. Review status: criteria provided, single submitter. Criteria: Invitae Variant Classification Sherloc (09022015). Collection method: clinical testing. Allele origin: germline.
Comment: This sequence change replaces alanine, which is neutral and non-polar, with threonine, which is neutral and polar, at codon 119 of the RAF1 protein (p.Ala119Thr). This variant is not present in population databases (gnomAD no frequency). This variant has not been reported in the literature in individuals affected with RAF1-related conditions. Advanced modeling of protein sequence and biophysical properties (such as structural, functional, and spatial information, amino acid conservation, physicochemical variation, residue mobility, and thermodynamic stability) performed at Invitae indicates that this missense variant is not expected to disrupt RAF1 protein function with a negative predictive value of 95%. In summary, the available evidence is currently insufficient to determine the role of this variant in disease. Therefore, it has been classified as a Variant of Uncertain Significance.

NM_002880.4(RAF1):c.355G>A (p.Ala119Thr)

Gene: RAF1 (Raf-1 proto-oncogene, serine/threonine kinase; minus strand). Cytogenetic location: 3p25.2.
Variant type: single nucleotide variant.
Coding change: c.355G>A on transcript NM_002880.4 (MANE Select); coding-DNA position 355, G replaced by A.
Protein change: p.Ala119Thr; replaces alanine 119 with threonine.
Molecular consequence: missense variant. On other transcripts: non-coding transcript variant (3).
Genome position (GRCh38, 1-based): chr3:12,609,301, C>T on the plus strand (G>A on the coding strand, the complement: RAF1 is on the minus strand). VCF-style: chr3-12609301-C-T. GRCh37 (hg19) VCF-style: chr3-12650800-C-T.
Other names: c.355G>A, p.Ala119Thr (NM_001354689.3, NM_001354690.3, NM_001354693.3); c.112G>A, p.Ala38Thr (NM_001354691.3, NM_001354692.3, NM_001354694.3 and 1 more transcripts); short protein forms A119T, A38T.
Identifiers: ClinVar variation 3694264 (VCV003694264.2).
Genomic context (GRCh38, chr3:12,609,301, plus strand): 5'-GTGTTGTGAGGGGAACATGATCCAGGAAATCTACTTGAAGTTCTTCTCCAATCAAAGACG[C>T]AGCATCAGTATTCCAATCTAAGCGTGCTTTTTTACTAGAAAGGATTTAAAAAAAACATGA-3'
Protein context (NP_002871.1, residues 109-129): KARLDWNTDA[Ala119Thr]SLIGEELQVD